The following is an entry in ClinVar:

ClinVar aggregate classification (germline): Uncertain significance. Review status: criteria provided, multiple submitters, no conflicts (2 of 4 stars). 2 submissions from 2 submitters: Uncertain significance (2). Last evaluated 2024-08-29.

Conditions:
Hereditary spastic paraplegia 11. Also called: SPASTIC PARAPLEGIA, AUTOSOMAL RECESSIVE, COMPLICATED, WITH THIN CORPUS CALLOSUM; SPASTIC PARAPLEGIA, AUTOSOMAL RECESSIVE, WITH MENTAL IMPAIRMENT AND THIN CORPUS CALLOSUM; Nakamura Osame syndrome; Autosomal recessive hereditary spastic paraplegia, mental impairment, and thin corpus callosum; Spastic paraplegia, mental retardation and thin corpus callosum; Spastic Paraplegia 11. Identifiers: Orphanet 2822, MedGen C1858479, MONDO:0011445, OMIM 604360.
Inborn genetic diseases. Identifiers: MedGen C0950123, MeSH D030342.

Allele frequency attached by ClinVar (database versions not stated): gnomAD 0.00001; ExAC 0.00003; gnomAD exomes 0.00003; ESP Exome Variant Server 0.00008.
gnomAD v4.1: 36 of 1,613,970 alleles (0.0022%); highest among the groups gnomAD compares: Admixed American, 0.0033%; no homozygotes.

Submissions (2):

Labcorp Genetics (formerly Invitae), Labcorp
Classification: Uncertain significance for Hereditary spastic paraplegia 11. Last evaluated: 2024-08-29. Review status: criteria provided, single submitter. Criteria: Invitae Variant Classification Sherloc (09022015). Collection method: clinical testing. Allele origin: germline.
Comment: This sequence change replaces isoleucine, which is neutral and non-polar, with valine, which is neutral and non-polar, at codon 2136 of the SPG11 protein (p.Ile2136Val). This variant is present in population databases (rs370189964, gnomAD 0.006%). This variant has not been reported in the literature in individuals affected with SPG11-related conditions. ClinVar contains an entry for this variant (Variation ID: 1419160). Invitae Evidence Modeling of protein sequence and biophysical properties (such as structural, functional, and spatial information, amino acid conservation, physicochemical variation, residue mobility, and thermodynamic stability) indicates that this missense variant is not expected to disrupt SPG11 protein function with a negative predictive value of 80%. In summary, the available evidence is currently insufficient to determine the role of this variant in disease. Therefore, it has been classified as a Variant of Uncertain Significance.

Ambry Genetics
Classification: Uncertain significance for Inborn genetic diseases. Last evaluated: 2021-09-15. Review status: criteria provided, single submitter. Criteria: Ambry Variant Classification Scheme 2023. Collection method: clinical testing. Allele origin: germline.

NM_025137.4(SPG11):c.6406A>G (p.Ile2136Val)

Gene: SPG11 (SPG11 vesicle trafficking associated, spatacsin; minus strand). Cytogenetic location: 15q21.1.
Variant type: single nucleotide variant.
Coding change: c.6406A>G on transcript NM_025137.4 (MANE Select); coding-DNA position 6406, A replaced by G.
Protein change: p.Ile2136Val; replaces isoleucine 2136 with valine.
Molecular consequence: missense variant.
Genome position (GRCh38, 1-based): chr15:44,570,596, T>C on the plus strand (A>G on the coding strand, the complement: SPG11 is on the minus strand). VCF-style: chr15-44570596-T-C. GRCh37 (hg19) VCF-style: chr15-44862794-T-C.
Other names: c.6067A>G, p.Ile2023Val (NM_001160227.2); c.6406A>G (NM_025137.3); short protein forms I2023V, I2136V.
Identifiers: ClinVar variation 1419160 (VCV001419160.5), dbSNP rs370189964, ClinGen allele CA7534140.
Genomic context (GRCh38, chr15:44,570,596, plus strand): 5'-ACTCCTCACTGGGGGCCAGGTGGTTATCTGTGAGCATGTGGGCGGCCTGTAGGACTCGGA[T>C]GATGCCCTCCATGTGGCACGTCAGGGTGAAGCAATGATGGGCCAGGATCAGGAGCTCTGT-3'
Protein context (NP_079413.3, residues 2126-2146): FTLTCHMEGI[Ile2136Val]RVLQAAHMLT